The following is an entry in ClinVar:

NM_006261.5(PROP1):c.552del (p.Phe185fs)

Gene: PROP1 (PROP paired-like homeobox 1; minus strand). Cytogenetic location: 5q35.3.
Variant type: Deletion.
Coding change: c.552del on transcript NM_006261.5 (MANE Select); coding-DNA position 552, one base deleted (C; older notation c.552delC).
Protein change: p.Phe185fs; shifts the reading frame from phenylalanine 185.
Molecular consequence: frameshift variant.
Genome position (GRCh38, 1-based): chr5:177,992,838, G deleted on the plus strand (C on the coding strand, the reverse complement: PROP1 is on the minus strand); the first of 2 consecutive G bases (chr5:177,992,838-177,992,839); deleting either gives the same sequence. VCF-style (leftmost placement, unchanged base first): chr5-177992837-AG-A. GRCh37 (hg19) VCF-style: chr5-177419838-AG-A.
Other names: short protein forms F185fs.
Identifiers: ClinVar variation 5003616 (VCV005003616.1).

ClinVar aggregate classification (germline): Uncertain significance (1 of 4 stars; one submission).

Conditions:
Pituitary hormone deficiency, combined, 2. Also called: PROP1-Related Combined Pituitary Hormone Deficiency; PITUITARY DWARFISM III; ATELIOTIC DWARFISM WITH HYPOGONADISM; HANHART DWARFISM. Identifiers: MedGen C0878683, MONDO:0009878, OMIM 262600.

Submission:

Myriad Genetics, Inc.
Classification: Uncertain significance for Pituitary hormone deficiency, combined, 2. Last evaluated: 2026-03-26. Review status: criteria provided, single submitter. Criteria: Myriad Autosomal Dominant, Autosomal Recessive and X-Linked Classification Criteria (2023). Collection method: clinical testing. Allele origin: unknown.
Comment: NM_006261.4(PROP1):c.552delC(F185Lfs*51) is a readthrough frameshift variant classified as a variant of uncertain significance in the context of combined pituitary hormone deficiency, PROP1-related. F185Lfs*51 has not been observed in cases with relevant disease. Relevant functional assessments of this variant are not available in the literature. F185Lfs*51 has not been observed in referenced population frequency databases. In summary, there is insufficient evidence to classify NM_006261.4(PROP1):c.552delC(F185Lfs*51) as pathogenic or benign. Please note: this variant was assessed in the context of healthy population screening.